The following is an entry in ClinVar:

ClinVar aggregate classification (germline): Uncertain significance (1 of 4 stars; one submission).

Conditions:
Cardiovascular phenotype. Identifiers: MedGen CN230736.

Submission:

Ambry Genetics
Classification: Uncertain significance for Cardiovascular phenotype. Last evaluated: 2025-07-21. Review status: criteria provided, single submitter. Criteria: Ambry Variant Classification Scheme 2023. Collection method: clinical testing. Allele origin: germline.
Comment: The p.L848P variant (also known as c.2543T>C), located in coding exon 10 of the MYPN gene, results from a T to C substitution at nucleotide position 2543. The leucine at codon 848 is replaced by proline, an amino acid with similar properties. This amino acid position is conserved. In addition, the in silico prediction for this alteration is inconclusive. Based on the available evidence, the clinical significance of this variant remains unclear.

NM_032578.4(MYPN):c.2543T>C (p.Leu848Pro)

Gene: MYPN (myopalladin; plus strand). Cytogenetic location: 10q21.3.
Variant type: single nucleotide variant.
Coding change: c.2543T>C on transcript NM_032578.4 (MANE Select); coding-DNA position 2543, T replaced by C.
Protein change: p.Leu848Pro; replaces leucine 848 with proline.
Molecular consequence: missense variant. On other transcripts: non-coding transcript variant (2).
Genome position (GRCh38, 1-based): chr10:68,174,635, T>C. VCF-style: chr10-68174635-T-C. GRCh37 (hg19) VCF-style: chr10-69934392-T-C.
Other names: c.2543T>C, p.Leu848Pro (NM_001256267.2); c.1661T>C, p.Leu554Pro (NM_001256268.2); short protein forms L554P, L848P.
Identifiers: ClinVar variation 4116163 (VCV004116163.1).
Genomic context (GRCh38, chr10:68,174,635, plus strand): 5'-CTTTCCTCAGCTCTGTTCTGCCTTCTCTCCCTGCCATCCCACCCACAAATGCCATGGGGC[T>C]GCCTAGAAGTGCACCATCCATGTAAGTGTCATTGAGGTTTCTTGATGTAAGATGCTAGTT-3'
Protein context (NP_115967.2, residues 838-858): PAIPPTNAMG[Leu848Pro]PRSAPSMPSQ